The following is an entry in ClinVar:

ClinVar aggregate classification (germline): Likely pathogenic. Review status: criteria provided, multiple submitters, no conflicts (2 of 4 stars). 2 submissions from 2 submitters: Likely pathogenic (2). Last evaluated 2024-01-05.

Submissions (2):

GeneDx
Classification: Likely pathogenic. Last evaluated: 2024-01-05. Review status: criteria provided, single submitter. Criteria: GeneDx Variant Classification Process June 2021. Collection method: clinical testing. Allele origin: germline.
Comment: Not observed at significant frequency in large population cohorts (gnomAD); In silico analysis supports that this missense variant has a deleterious effect on protein structure/function; Has not been previously published as pathogenic or benign to our knowledge

Labcorp Genetics (formerly Invitae), Labcorp
Classification: Likely pathogenic. Last evaluated: 2021-07-12. Review status: criteria provided, single submitter. Criteria: Invitae Variant Classification Sherloc (09022015). Collection method: clinical testing. Allele origin: germline.
Comment: This sequence change replaces aspartic acid with tyrosine at codon 295 of the GNAS protein (p.Asp295Tyr). The aspartic acid residue is highly conserved and there is a large physicochemical difference between aspartic acid and tyrosine. This variant is not present in population databases (ExAC no frequency). This variant has been observed in individual(s) with pseudopseudohypoparathyroidism (Invitae). In at least one individual the variant was observed to be de novo. Algorithms developed to predict the effect of missense changes on protein structure and function are either unavailable or do not agree on the potential impact of this missense change (SIFT: "Deleterious"; PolyPhen-2: "Probably Damaging"; Align-GVGD: "Class C0"). This variant disrupts the p.Asp295 amino acid residue in GNAS. Other variant(s) that disrupt this residue have been observed in individuals with GNAS-related conditions (PMID: 29059381; Invitae), which suggests that this may be a clinically significant amino acid residue. In summary, the currently available evidence indicates that the variant is pathogenic, but additional data are needed to prove that conclusively. Therefore, this variant has been classified as Likely Pathogenic.

Literature cited by the submitters: PubMed 29059381 (cited by Labcorp Genetics (formerly Invitae), Labcorp).

NM_000516.7(GNAS):c.883G>T (p.Asp295Tyr)

Gene: GNAS (GNAS complex locus; plus strand). Cytogenetic location: 20q13.32.
Variant type: single nucleotide variant.
Coding change: c.883G>T on transcript NM_000516.7 (MANE Select); coding-DNA position 883, G replaced by T.
Protein change: p.Asp295Tyr; replaces aspartic acid 295 with tyrosine.
Molecular consequence: missense variant. On other transcripts: 3 prime UTR variant (2).
Genome position (GRCh38, 1-based): chr20:58,909,994, G>T. VCF-style: chr20-58909994-G-T. GRCh37 (hg19) VCF-style: chr20-57485049-G-T.
Other names: c.883G>T (NM_000516.4); c.886G>T, p.Asp296Tyr (NM_001077488.5); c.838G>T, p.Asp280Tyr (NM_001077489.4); c.*744G>T (NM_001077490.3); c.706G>T, p.Asp236Tyr (NM_001309840.2, NM_001309861.2); c.*789G>T (NM_016592.5); c.2812G>T, p.Asp938Tyr (NM_080425.4); c.841G>T, p.Asp281Tyr (NM_080426.4); short protein forms D280Y, D296Y, D236Y, D295Y, D938Y, D281Y.
Identifiers: ClinVar variation 1467063 (VCV001467063.9), dbSNP rs2146291027, ClinGen allele CA409453063.